The following is an entry in ClinVar:

NM_004380.3(CREBBP):c.4208A>G (p.Asp1403Gly)

Gene: CREBBP (CREB binding lysine acetyltransferase; minus strand). Cytogenetic location: 16p13.3.
Variant type: single nucleotide variant.
Coding change: c.4208A>G on transcript NM_004380.3 (MANE Select); coding-DNA position 4208, A replaced by G.
Protein change: p.Asp1403Gly; replaces aspartic acid 1403 with glycine.
Molecular consequence: missense variant.
Genome position (GRCh38, 1-based): chr16:3,739,650, T>C on the plus strand (A>G on the coding strand, the complement: CREBBP is on the minus strand). VCF-style: chr16-3739650-T-C. GRCh37 (hg19) VCF-style: chr16-3789651-T-C.
Other names: c.4094A>G, p.Asp1365Gly (NM_001079846.1); short protein forms D1365G, D1403G.
Identifiers: ClinVar variation 2578513 (VCV002578513.2), dbSNP rs2151337133, ClinGen allele CA394564838.

ClinVar aggregate classification (germline): Likely benign (1 of 4 stars; one submission).

Conditions:
Rubinstein-Taybi syndrome due to CREBBP mutations (RSTS1). Also called: BROAD THUMBS AND GREAT TOES, CHARACTERISTIC FACIES, AND IMPAIRED INTELLECTUAL DEVELOPMENT; BROAD THUMB-HALLUX SYNDROME; CREBBP-Related Rubinstein-Taybi Syndrome; RUBINSTEIN SYNDROME; RUBINSTEIN-TAYBI SYNDROME 1, INCOMPLETE; Rubinstein-Taybi syndrome 1. Identifiers: Orphanet 353277, Orphanet 783, MedGen C4551859, MONDO:0008393, OMIM 180849.

Submission:

Molecular Genetics Department, Kulakov National Medical Research Center for Obstetrics, Gynecology and Perinatology
Classification: Likely benign for Rubinstein-Taybi syndrome due to CREBBP mutations. Last evaluated: 2023-01-19. Review status: criteria provided, single submitter. Criteria: ACMG Guidelines, 2015. Collection method: clinical testing. Allele origin: paternal. Inheritance: Autosomal dominant inheritance. Affected: yes. Observed: 2 variant alleles.
Comment: A previously undescribed heterozygous nucleotide sequence variant in the CREBBP gene (16-3739650-T-C) resulting in an amino acid substitution at position 1403 of the protein (p.Asp1403Gly, NM_004380) has been identified. Heterozygous missense variants have been described in patients with OMIM: 180849, Rubinstein-Taybi syndrome 1 and OMIM: 618332, Menke-Hennekam syndrome 1. This variant is not registered in gnomAD. Computational tools classify the variant as pathogenic (PolyPhen-2: 0.997, Sift: 0.0, CADD: 30). Based on the totality of the data, it should be considered as a likely benign variant.